The following is an entry in ClinVar:

ClinVar aggregate classification (germline): Uncertain significance. Review status: criteria provided, multiple submitters, no conflicts (2 of 4 stars). 2 submissions from 2 submitters: Uncertain significance (2). Last evaluated 2024-11-27.

Conditions:
Hereditary cancer-predisposing syndrome. Also called: Tumor predisposition; Hereditary neoplastic syndrome; Hereditary Cancer Syndrome; Neoplastic Syndromes, Hereditary. Identifiers: Orphanet 140162, MedGen C0027672, MeSH D009386, MONDO:0015356.
Rhabdoid tumor predisposition syndrome 2 (RTPS2). Identifiers: Orphanet 231108, Orphanet 69077, MedGen C2750074, MONDO:0013224, OMIM 613325.

Allele frequency attached by ClinVar (database versions not stated): gnomAD exomes below 0.00001; ExAC 0.00001.
gnomAD v4.1: 1 of 1,603,830 alleles (0.000062%); highest among the groups gnomAD compares: South Asian, 0.0011%; no homozygotes.

Submissions (2):

Labcorp Genetics (formerly Invitae), Labcorp
Classification: Uncertain significance for Rhabdoid tumor predisposition syndrome 2. Last evaluated: 2024-11-27. Review status: criteria provided, single submitter. Criteria: Invitae Variant Classification Sherloc (09022015). Collection method: clinical testing. Allele origin: germline.
Comment: This sequence change replaces lysine, which is basic and polar, with arginine, which is basic and polar, at codon 467 of the SMARCA4 protein (p.Lys467Arg). The frequency data for this variant in the population databases is considered unreliable, as metrics indicate poor data quality at this position in the gnomAD database. This variant has not been reported in the literature in individuals affected with SMARCA4-related conditions. ClinVar contains an entry for this variant (Variation ID: 1051427). Invitae Evidence Modeling of protein sequence and biophysical properties (such as structural, functional, and spatial information, amino acid conservation, physicochemical variation, residue mobility, and thermodynamic stability) indicates that this missense variant is not expected to disrupt SMARCA4 protein function with a negative predictive value of 95%. In summary, the available evidence is currently insufficient to determine the role of this variant in disease. Therefore, it has been classified as a Variant of Uncertain Significance.

Ambry Genetics
Classification: Uncertain significance for Hereditary cancer-predisposing syndrome. Last evaluated: 2022-12-07. Review status: criteria provided, single submitter. Criteria: Ambry Variant Classification Scheme 2023. Collection method: clinical testing. Allele origin: germline.
Comment: The p.K467R variant (also known as c.1400A>G), located in coding exon 7 of the SMARCA4 gene, results from an A to G substitution at nucleotide position 1400. The lysine at codon 467 is replaced by arginine, an amino acid with highly similar properties. This amino acid position is highly conserved in available vertebrate species. In addition, this alteration is predicted to be tolerated by in silico analysis. Missense and in-frame variants in SMARCA4 are known to cause neurodevelopmental disorders; however, such associations with rhabdoid tumor predisposition syndrome including small cell carcinoma of the ovary-hypercalcemic type (SCCOHT) are exceedingly rare (Kosho T et al. Am J Med Genet C Semin Med Genet. 2014 Sep;166C(3):262-75; Jelinic P et al. Nat Genet. 2014 May;46(5):424-6). Based on the supporting evidence, the association of this alteration with Coffin-Siris syndrome is unknown; however, the association of this alteration with rhabdoid tumor predisposition syndrome is unlikely.

NM_003072.5(SMARCA4):c.1400A>G (p.Lys467Arg)

Gene: SMARCA4 (SWI/SNF related BAF chromatin remodeling complex subunit ATPase 4; plus strand). Cytogenetic location: 19p13.2.
Variant type: single nucleotide variant.
Coding change: c.1400A>G on transcript NM_003072.5 (MANE Select); coding-DNA position 1400, A replaced by G.
Protein change: p.Lys467Arg; replaces lysine 467 with arginine.
Molecular consequence: missense variant. On other transcripts: non-coding transcript variant (1).
Genome position (GRCh38, 1-based): chr19:10,991,304, A>G. VCF-style: chr19-10991304-A-G. GRCh37 (hg19) VCF-style: chr19-11101980-A-G.
Other names: c.1400A>G, p.Lys467Arg (NM_001128844.3, NM_001128845.2, NM_001128846.2 and 5 more transcripts); short protein forms K467R.
Identifiers: ClinVar variation 1051427 (VCV001051427.12), dbSNP rs758203117, ClinGen allele CA9203762.
Genomic context (GRCh38, chr19:10,991,304, plus strand): 5'-TGCGCGAGGCCCGCATCACTGAGAAGCTGGAGAAGCAGCAGAAGATCGAGCAGGAGCGCA[A>G]GCGCCGGCAGAAGCACCAGGTACGCTCCGGTGGCCCCAAGGCCCTGCAGCCCGCCCACCT-3'
Protein context (NP_003063.2, residues 457-477): EKQQKIEQER[Lys467Arg]RRQKHQEYLN